The following is an entry in ClinVar:

ClinVar aggregate classification (germline): Uncertain significance (1 of 4 stars; one submission).

Submission:

CeGaT Center for Human Genetics Tuebingen
Classification: Uncertain significance. Last evaluated: 2025-08-01. Review status: criteria provided, single submitter. Criteria: CeGaT Center For Human Genetics Tuebingen Variant Classification Criteria Version 2. Collection method: clinical testing. Allele origin: germline. Affected: yes. Observed: 1 variant allele.
Comment: GRIN1: PM2

NM_007327.4(GRIN1):c.219G>C (p.Gln73His)

Gene: GRIN1 (glutamate ionotropic receptor NMDA type subunit 1; plus strand). Cytogenetic location: 9q34.3.
Variant type: single nucleotide variant.
Coding change: c.219G>C on transcript NM_007327.4 (MANE Select); coding-DNA position 219, G replaced by C.
Protein change: p.Gln73His; replaces glutamine 73 with histidine.
Molecular consequence: missense variant.
Genome position (GRCh38, 1-based): chr9:137,139,705, G>C. VCF-style: chr9-137139705-G-C. GRCh37 (hg19) VCF-style: chr9-140034157-G-C.
Other names: c.219G>C, p.Gln73His (NM_000832.7, NM_001185090.2, NM_001185091.2 and 3 more transcripts); short protein forms Q73H.
Identifiers: ClinVar variation 4085854 (VCV004085854.8).